The following is an entry in ClinVar:

NM_015271.5(TRIM2):c.2129_2130delinsAG (p.Ile710Lys)

Gene: TRIM2 (tripartite motif containing 2; plus strand). Cytogenetic location: 4q31.3.
Variant type: Indel.
Coding change: c.2129_2130delinsAG on transcript NM_015271.5 (MANE Select); coding-DNA positions 2129 to 2130, TC replaced by AG.
Protein change: p.Ile710Lys; replaces isoleucine 710 with lysine.
Molecular consequence: missense variant.
Genome position (GRCh38, 1-based): chr4:153,328,636-153,328,637, TC replaced by AG. VCF-style: chr4-153328636-TC-AG. GRCh37 (hg19) VCF-style: chr4-154249788-TC-AG.
Other names: c.2048_2049delinsAG, p.Ile683Lys (NM_001130067.2, NM_001375512.1, NM_001375513.1 and 4 more transcripts); c.2114_2115delinsAG, p.Ile705Lys (NM_001351054.2); c.2111_2112delinsAG, p.Ile704Lys (NM_001351055.2); c.2060_2061delinsAG, p.Ile687Lys (NM_001351056.2); c.1673_1674delinsAG, p.Ile558Lys (NM_001351057.2); c.2222_2223delinsAG, p.Ile741Lys (NM_001375488.1); c.2219_2220delinsAG, p.Ile740Lys (NM_001375489.1); c.2072_2073delinsAG, p.Ile691Lys (NM_001375490.1); and 4 more; short protein forms I558K, I597K, I598K, I599K, I683K, I687K, I690K, I691K.
Identifiers: ClinVar variation 3615473 (VCV003615473.2).

ClinVar aggregate classification (germline): Uncertain significance (1 of 4 stars; one submission).

Conditions:
Charcot-Marie-Tooth disease type 2R. Also called: Charcot-Marie-Tooth disease, axonal, type 2R; CHARCOT-MARIE-TOOTH NEUROPATHY, TYPE 2R; CHARCOT-MARIE-TOOTH DISEASE, AXONAL, AUTOSOMAL RECESSIVE, TYPE 2R. Identifiers: Orphanet 397968, MedGen C3809655, MONDO:0014208, OMIM 615490.

Submission:

Labcorp Genetics (formerly Invitae), Labcorp
Classification: Uncertain significance for Charcot-Marie-Tooth disease type 2R. Last evaluated: 2024-02-11. Review status: criteria provided, single submitter. Criteria: Invitae Variant Classification Sherloc (09022015). Collection method: clinical testing. Allele origin: germline.
Comment: This sequence change replaces isoleucine, which is neutral and non-polar, with lysine, which is basic and polar, at codon 683 of the TRIM2 protein (p.Ile683Lys). Information on the frequency of this variant in the gnomAD database is not available, as this variant may be reported differently in the database. This variant has not been reported in the literature in individuals affected with TRIM2-related conditions. An algorithm developed to predict the effect of missense changes on protein structure and function (PolyPhen-2) suggests that this variant is likely to be disruptive. In summary, the available evidence is currently insufficient to determine the role of this variant in disease. Therefore, it has been classified as a Variant of Uncertain Significance.